The following is an entry in ClinVar:

NM_058216.3(RAD51C):c.935G>A (p.Arg312Gln)

Gene: RAD51C (RAD51 paralog C; plus strand). Cytogenetic location: 17q22.
Variant type: single nucleotide variant.
Coding change: c.935G>A on transcript NM_058216.3 (MANE Select); coding-DNA position 935, G replaced by A.
Protein change: p.Arg312Gln; replaces arginine 312 with glutamine.
Molecular consequence: missense variant. On other transcripts: non-coding transcript variant (1).
Genome position (GRCh38, 1-based): chr17:58,724,070, G>A. VCF-style: chr17-58724070-G-A. GRCh37 (hg19) VCF-style: chr17-56801431-G-A.
Other names: short protein forms R312Q.
Identifiers: ClinVar variation 229887 (VCV000229887.24), dbSNP rs779834376, ClinGen allele CA8677363.

ClinVar aggregate classification (germline): Conflicting classifications of pathogenicity. Review status: criteria provided, conflicting classifications (1 of 4 stars). 10 submissions from 9 submitters: Likely pathogenic (1); Uncertain significance (8). 1 of the submissions does not count toward it. Last evaluated 2026-06-09.

Conditions:
Familial ovarian cancer. Identifiers: MedGen C5679802, MONDO:0016248.
Hereditary cancer-predisposing syndrome. Also called: Neoplastic Syndromes, Hereditary; Tumor predisposition; Hereditary Cancer Syndrome; Hereditary neoplastic syndrome. Identifiers: Orphanet 140162, MedGen C0027672, MeSH D009386, MONDO:0015356.
Hereditary breast ovarian cancer syndrome. Also called: Hereditary breast and ovarian cancer; Hereditary breast and ovarian cancer syndrome (HBOC); Breast and ovarian cancer; Hereditary breast and ovarian cancer syndrome; BRCA1- and BRCA2-Associated Hereditary Breast and Ovarian Cancer; Hereditary breast and/or ovarian cancer syndrome. Identifiers: Orphanet 145, MedGen C0677776, MeSH D061325, MONDO:0003582. Disease mechanism: loss of function.
Breast-ovarian cancer, familial, susceptibility to, 3. Also called: RAD51C-Related Breast/Ovarian Cancer. Identifiers: Orphanet 145, MedGen C3150659, MONDO:0013253, OMIM 613399.
Fanconi anemia complementation group O. Also called: RAD51C-Related Fanconi Anemia. Identifiers: Orphanet 84, MedGen C3150653, MONDO:0013248, OMIM 613390.

Allele frequency attached by ClinVar (database versions not stated): TOPMed below 0.00001; ExAC 0.00001; gnomAD 0.00001; gnomAD exomes 0.00002.
gnomAD v4.1: 36 of 1,613,030 alleles (0.0022%); highest among the groups gnomAD compares: Middle Eastern, 0.016%; no homozygotes.

Submissions (10):

German Consortium for Hereditary Breast and Ovarian Cancer, University Hospital Cologne
Classification: Uncertain significance for Hereditary breast ovarian cancer syndrome. Last evaluated: 2026-06-09. Review status: criteria provided, single submitter. Criteria: ACMG SVI. Collection method: curation. Allele origin: germline.
Comment: This classification follows the ACMG SVI adaptation classification scheme; We chose this criterion: PM3 (medium pathogenic): ClinVar Eintrag: This missense change has been observed in individual(s) with Fanconi anemia (PMID: 29278735). In at least one individual the data is consistent with being in trans (on the opposite chromosome) from a pathogenic variant.

Labcorp Genetics (formerly Invitae), Labcorp
Classification: Likely pathogenic for Fanconi anemia complementation group O. Last evaluated: 2025-12-14. Review status: criteria provided, single submitter. Criteria: Invitae Variant Classification Sherloc (09022015). Collection method: clinical testing. Allele origin: germline.
Comment: This sequence change replaces arginine, which is basic and polar, with glutamine, which is neutral and polar, at codon 312 of the RAD51C protein (p.Arg312Gln). This variant is present in population databases (rs779834376, gnomAD 0.006%). This missense change has been observed in individual(s) with Fanconi anemia (PMID: 29278735). In at least one individual the data is consistent with being in trans (on the opposite chromosome) from a pathogenic variant. ClinVar contains an entry for this variant (Variation ID: 229887). Invitae Evidence Modeling of protein sequence and biophysical properties (such as structural, functional, and spatial information, amino acid conservation, physicochemical variation, residue mobility, and thermodynamic stability) indicates that this missense variant is not expected to disrupt RAD51C protein function with a negative predictive value of 80%. Studies have shown that this missense change is associated with inconclusive levels of altered splicing (internal data). In summary, the currently available evidence indicates that the variant is pathogenic, but additional data are needed to prove that conclusively. Therefore, this variant has been classified as Likely Pathogenic.

Ambry Genetics
Classification: Uncertain significance for Hereditary cancer-predisposing syndrome. Last evaluated: 2025-05-15. Review status: criteria provided, single submitter. Criteria: Ambry Variant Classification Scheme 2023. Collection method: clinical testing. Allele origin: germline.
Comment: The p.R312Q variant (also known as c.935G>A), located in coding exon 7 of the RAD51C gene, results from a G to A substitution at nucleotide position 935. The arginine at codon 312 is replaced by glutamine, an amino acid with highly similar properties. This variant has been reported in conjunction with another variant in RAD51C in an individual diagnosed with clinical features of Fanconi anemia (Jacquinet A et al. Eur J Med Genet, 2018 May;61:257-261). This amino acid position is highly conserved in available vertebrate species. In addition, this alteration is predicted to be deleterious by in silico analysis. Based on the available evidence, the clinical significance of this variant remains unclear.

Color Diagnostics, LLC DBA Color Health
Classification: Uncertain significance for Hereditary cancer-predisposing syndrome. Last evaluated: 2025-04-15. Review status: criteria provided, single submitter. Criteria: ACMG Guidelines, 2015. Collection method: clinical testing. Allele origin: germline.
Comment: This missense variant replaces arginine with glutamine at codon 312 of the RAD51C protein. Computational prediction suggests that this variant may not impact protein structure and function. To our knowledge, functional studies have not been reported for this variant. This variant has been reported in an individual having clinical features of Fanconi anemia in compound heterozygosity with a splice site variant c.571+5G>A (PMID: 2927873). In a breast cancer case-control study, this variant has been reported in 1/60466 cases and 1/53461 unaffected controls (OR=0.88495%CI 0.055 to 14.136p-value=1Leiden Open Variation Database DB-ID RAD51C_000200) (PMID: 33471991). This variant has been identified in 6/251358 chromosomes in the general population by the Genome Aggregation Database (gnomAD). The available evidence is insufficient to determine the role of this variant in disease conclusively. Therefore, this variant is classified as a Variant of Uncertain Significance.

Molecular Pathology, Peter Maccallum Cancer Centre
Classification: Uncertain significance for Familial ovarian cancer. Last evaluated: 2024-12-31. Review status: criteria provided, single submitter. Criteria: ACMG Guidelines, 2015. Collection method: clinical testing. Allele origin: germline. Inheritance: Autosomal dominant inheritance.

Daryl Scott Lab, Baylor College of Medicine
Classification: Uncertain significance for Fanconi anemia complementation group O. Last evaluated: 2024-04-01. Review status: criteria provided, single submitter. Criteria: ACMG Guidelines, 2015. Collection method: clinical testing. Allele origin: maternal. Observed: 1 compound heterozygote.
Comment: PS4, PM3

Sema4
Classification: Uncertain significance for Hereditary cancer-predisposing syndrome. Last evaluated: 2022-03-16. Review status: criteria provided, single submitter. Criteria: Sema4 Curation Guidelines. Collection method: curation. Allele origin: germline.
Comment: The RAD51C c.935G>A (p.R312Q) variant has been reported in 1/60466 breast cancer cases and in 1/53461 controls in a large case-control study (PMID: 33471991). It has also been reported as compound heterozygous in at least one individual with Fanconi anemia, complementation group O (PMID: 29278735). This variant was observed in 6/251358 chromosomes across all populations in the large and broad cohorts in the Genome Aggregation Database (PMID: 32461654). The variant has been reported in ClinVar (Variation ID: 229887). In silico tools suggest that the variant may create or strengthen a cryptic splice site, though these predictions have not been confirmed by functional studies. The evidence is insufficient to meet ACMG/AMP criteria for classifying the variant as benign or pathogenic. Thus, the clinical significance of this variant is currently uncertain.

GeneDx
Classification: Uncertain significance. Last evaluated: 2021-06-28. Review status: criteria provided, single submitter. Criteria: GeneDx Variant Classification Process June 2021. Collection method: clinical testing. Allele origin: germline. Affected: yes.
Comment: In silico analysis supports that this missense variant has a deleterious effect on protein structure/function; This variant is associated with the following publications: (PMID: 27535533, 14704354, 29278735)

Baylor Genetics
Classification: Uncertain significance for Fanconi anemia complementation group O. Review status: criteria provided, single submitter. Criteria: ACMG Guidelines, 2015. Collection method: clinical testing. Allele origin: unknown.

Baylor Genetics
Classification: Uncertain significance for Breast-ovarian cancer, familial, susceptibility to, 3. Review status: no assertion criteria provided. Collection method: clinical testing. Allele origin: unknown. Not counted in ClinVar's aggregate classification.

Literature cited by the submitters: PubMed 29278735 (cited by 4 submitters); PubMed 2927873 (cited by Color Diagnostics, LLC DBA Color Health); PubMed 33471991 (cited by Color Diagnostics, LLC DBA Color Health and Sema4).